The following is an entry in ClinVar:

ClinVar aggregate classification (germline): Uncertain significance (1 of 4 stars; one submission).

Allele frequency attached by ClinVar (database versions not stated): gnomAD 0.00003 and 0.00004; gnomAD exomes 0.00004; TOPMed 0.00009.
gnomAD v4.1: 60 of 1,526,532 alleles (0.0039%); highest among the groups gnomAD compares: Non-Finnish European, 0.0046%; no homozygotes.

Submission:

Labcorp Genetics (formerly Invitae), Labcorp
Classification: Uncertain significance. Last evaluated: 2024-06-20. Review status: criteria provided, single submitter. Criteria: Invitae Variant Classification Sherloc (09022015). Collection method: clinical testing. Allele origin: germline.
Comment: This sequence change replaces arginine, which is basic and polar, with cysteine, which is neutral and slightly polar, at codon 448 of the CARMIL2 protein (p.Arg448Cys). This variant is present in population databases (no rsID available, gnomAD 0.005%). This variant has not been reported in the literature in individuals affected with CARMIL2-related conditions. Advanced modeling of protein sequence and biophysical properties (such as structural, functional, and spatial information, amino acid conservation, physicochemical variation, residue mobility, and thermodynamic stability) performed at Invitae indicates that this missense variant is not expected to disrupt CARMIL2 protein function with a negative predictive value of 80%. In summary, the available evidence is currently insufficient to determine the role of this variant in disease. Therefore, it has been classified as a Variant of Uncertain Significance.

NM_001013838.3(CARMIL2):c.1342C>T (p.Arg448Cys)

Gene: CARMIL2 (capping protein regulator and myosin 1 linker 2; plus strand). Cytogenetic location: 16q22.1.
Variant type: single nucleotide variant.
Coding change: c.1342C>T on transcript NM_001013838.3 (MANE Select); coding-DNA position 1342, C replaced by T.
Protein change: p.Arg448Cys; replaces arginine 448 with cysteine.
Molecular consequence: missense variant.
Genome position (GRCh38, 1-based): chr16:67,648,405, C>T. VCF-style: chr16-67648405-C-T. GRCh37 (hg19) VCF-style: chr16-67682308-C-T.
Other names: c.1234C>T, p.Arg412Cys (NM_001317026.3); short protein forms R412C, R448C.
Identifiers: ClinVar variation 1480797 (VCV001480797.6), dbSNP rs1295715062, ClinGen allele CA396336377.